The following is an entry in ClinVar:

NM_005006.7(NDUFS1):c.826C>T (p.Arg276Cys)

Gene: NDUFS1 (NADH:ubiquinone oxidoreductase core subunit S1; minus strand). Cytogenetic location: 2q33.3.
Variant type: single nucleotide variant.
Coding change: c.826C>T on transcript NM_005006.7 (MANE Select); coding-DNA position 826, C replaced by T.
Protein change: p.Arg276Cys; replaces arginine 276 with cysteine.
Molecular consequence: missense variant.
Genome position (GRCh38, 1-based): chr2:206,144,938, G>A on the plus strand (C>T on the coding strand, the complement: NDUFS1 is on the minus strand). VCF-style: chr2-206144938-G-A. GRCh37 (hg19) VCF-style: chr2-207009662-G-A.
Other names: c.826C>T (NM_005006.5); c.718C>T, p.Arg240Cys (NM_001199981.2); c.493C>T, p.Arg165Cys (NM_001199982.2); c.655C>T, p.Arg219Cys (NM_001199983.2); c.868C>T, p.Arg290Cys (NM_001199984.2); short protein forms R219C, R290C, R165C, R240C, R276C.
Identifiers: ClinVar variation 1032963 (VCV001032963.7), dbSNP rs142941808, ClinGen allele CA2070650.

ClinVar aggregate classification (germline): Uncertain significance. Review status: criteria provided, multiple submitters, no conflicts (2 of 4 stars). 3 submissions from 3 submitters: Uncertain significance (3). Last evaluated 2024-12-13.

Conditions:
Mitochondrial complex I deficiency, nuclear type 1. Also called: NADH-COENZYME Q REDUCTASE DEFICIENCY; MITOCHONDRIAL NADH DEHYDROGENASE COMPONENT OF COMPLEX I, DEFICIENCY OF. Identifiers: MedGen C6022305, MONDO:0100224, OMIM 252010.
Inborn genetic diseases. Identifiers: MedGen C0950123, MeSH D030342.

Allele frequency attached by ClinVar (database versions not stated): gnomAD exomes 0.00003 and 0.00004; TOPMed 0.00020; gnomAD 0.00021 and 0.00024; ESP Exome Variant Server 0.00031; ExAC 0.00003.
gnomAD v4.1: 75 of 1,613,828 alleles (0.0046%); highest among the groups gnomAD compares: African/African-American, 0.08%; no homozygotes.

Submissions (3):

GeneDx
Classification: Uncertain significance. Last evaluated: 2024-12-13. Review status: criteria provided, single submitter. Criteria: GeneDx Variant Classification Process June 2021. Collection method: clinical testing. Allele origin: germline. Affected: yes.
Comment: In silico analysis supports that this missense variant has a deleterious effect on protein structure/function; Has not been previously published as pathogenic or benign to our knowledge

Ambry Genetics
Classification: Uncertain significance for Inborn genetic diseases. Last evaluated: 2021-12-14. Review status: criteria provided, single submitter. Criteria: Ambry Variant Classification Scheme 2023. Collection method: clinical testing. Allele origin: germline.

Baylor Genetics
Classification: Uncertain significance for Mitochondrial complex I deficiency, nuclear type 1. Last evaluated: 2018-06-11. Review status: criteria provided, single submitter. Criteria: ACMG Guidelines, 2015. Collection method: clinical testing. Allele origin: maternal. Affected: yes.
Comment: This variant was determined to be of uncertain significance according to ACMG Guidelines, 2015 [PMID:25741868].